The following is an entry in ClinVar:

ClinVar aggregate classification (germline): Conflicting classifications of pathogenicity. Review status: criteria provided, conflicting classifications (1 of 4 stars). 22 submissions from 22 submitters: Uncertain significance (7); Benign (1); Likely benign (11). 3 of the submissions do not count toward it. Last evaluated 2026-05-06.

Conditions:
Inherited polyposis and early onset colorectal cancer - germline testing.
Hereditary nonpolyposis colorectal neoplasms. Identifiers: MedGen C0009405, MeSH D003123.
Hereditary cancer. Identifiers: MedGen C1333600.
Hereditary cancer-predisposing syndrome. Also called: Tumor predisposition; Hereditary neoplastic syndrome; Neoplastic Syndromes, Hereditary; Hereditary Cancer Syndrome. Identifiers: Orphanet 140162, MedGen C0027672, MeSH D009386, MONDO:0015356.
Lynch syndrome 5 (LYNCH5). Also called: Hereditary non-polyposis colorectal cancer, type 5; Colorectal cancer, hereditary nonpolyposis, type 5. Identifiers: Orphanet 144, MedGen C1833477, MONDO:0013710, OMIM 614350. Disease mechanism: loss of function.
Endometrial carcinoma. Also called: Endometrial carcinoma, somatic. Identifiers: MedGen C0476089, MONDO:0002447, OMIM 608089, HP:0012114.
Mismatch repair cancer syndrome 1 (MMRCS1). Also called: MISMATCH REPAIR DEFICIENCY; MMR DEFICIENCY; BRAIN TUMOR-POLYPOSIS SYNDROME 1; BTP1 SYNDROME; CHILDHOOD CANCER SYNDROME. Identifiers: Orphanet 252202, MedGen C5399763, MONDO:0010159, OMIM 276300. Disease mechanism: loss of function.

Allele frequency attached by ClinVar (database versions not stated): TOPMed 0.00006; gnomAD exomes 0.00007 and 0.00018; ESP Exome Variant Server 0.00008; gnomAD 0.00010 and 0.00011; 1000 Genomes Project 30x 0.00016; ExAC 0.00016; 1000 Genomes Project 0.00020.
gnomAD v4.1: 121 of 1,614,060 alleles (0.0075%); highest among the groups gnomAD compares: South Asian, 0.076%; no homozygotes.

Submissions 1 to 13 of 22:

Genomics and Molecular Medicine Service, East Genomic Laboratory Hub, NHS Genomic Medicine Service
Classification: Likely benign for Inherited polyposis and early onset colorectal cancer - germline testing. Last evaluated: 2026-05-06. Review status: criteria provided, single submitter. Criteria: ACGS Best Practice Guidelines for Variant Classification in Rare Disease 2020. Collection method: clinical testing. Allele origin: germline. Affected: yes.
Comment: BS1_Strong,BP4

Dasa
Classification: Likely benign. Last evaluated: 2026-03-25. Review status: criteria provided, single submitter. Criteria: DASA Assertion Criteria. Collection method: clinical testing. Allele origin: germline.
Comment: NM_000179.3(MSH6):c.3788G>A (p.Arg1263His) is a missense variant that results in the substitution of arginine with histidine. Population frequency is inconsistent with a disease-causing role for this variant. Computational prediction algorithms are consistent with a benign effect. Therefore, based on the currently available evidence, this variant is classified as likely benign.

Labcorp Genetics (formerly Invitae), Labcorp
Classification: Likely benign for Hereditary nonpolyposis colorectal neoplasms. Last evaluated: 2026-01-31. Review status: criteria provided, single submitter. Criteria: Invitae Variant Classification Sherloc (09022015). Collection method: clinical testing. Allele origin: germline.

Women's Health and Genetics/Laboratory Corporation of America, LabCorp
Classification: Likely benign. Last evaluated: 2025-09-04. Review status: criteria provided, single submitter. Criteria: LabCorp Variant Classification Summary - May 2015. Collection method: clinical testing. Allele origin: germline.
Comment: Variant summary: MSH6 c.3788G>A (p.Arg1263His) results in a non-conservative amino acid change in the encoded protein sequence. Algorithms developed to predict the effect of missense changes on protein structure and function all suggest that this variant is likely to be disruptive. The variant allele was found at a frequency of 0.00018 in 251220 control chromosomes, predominantly at a frequency of 0.00085 within the South Asian subpopulation in the gnomAD database. The observed variant frequency within South Asian control individuals in the gnomAD database exceeds the estimated maximal expected allele frequency for disease-causing variants in MSH6. c.3788G>A has been observed in individual(s) affected with Lynch Syndrome, breast cancer and adrenocortical carcinoma without strong evidence of causality (Scatolini_2024, Tung_2015, Li_2019). These report(s) do not provide unequivocal conclusions about association of the variant with Lynch Syndrome. To our knowledge, no experimental evidence demonstrating an impact on protein function has been reported. The following publications have been ascertained in the context of this evaluation (PMID: 38714106, 25186627, 31391288). ClinVar contains an entry for this variant (Variation ID: 127593). Based on the evidence outlined above, the variant was classified as likely benign.

CeGaT Center for Human Genetics Tuebingen
Classification: Likely benign. Last evaluated: 2025-06-01. Review status: criteria provided, single submitter. Criteria: CeGaT Center For Human Genetics Tuebingen Variant Classification Criteria Version 2. Collection method: clinical testing. Allele origin: germline. Affected: yes. Observed: 1 variant allele.
Comment: MSH6: PM1, BS1

Quest Diagnostics Nichols Institute San Juan Capistrano
Classification: Uncertain significance. Last evaluated: 2025-05-12. Review status: criteria provided, single submitter. Criteria: Quest Diagnostics criteria. Collection method: clinical testing. Allele origin: unknown.
Comment: The MSH6 c.3788G>A (p.Arg1263His) variant has been reported in individuals with breast cancer (PMIDs: 25186627 (2015), 33471991 (2021), see LOVD)), and Lynch syndrome-associated cancer (PMID: 31391288 (2020)). This variant has also been identified in reportedly unaffected individuals (PMIDs: 24728327 (2014), 32980694 (2020), 32885271 (2021), 33471991 (2021)). The frequency of this variant in the general population (Genome Aggregation Database) is higher than would generally be expected for pathogenic variants in this gene. Analysis of this variant using bioinformatics tools for the prediction of the effect of amino acid changes on protein structure and function yielded predictions that this variant is damaging. Based on the available information, we are unable to determine the clinical significance of this variant.

Color Diagnostics, LLC DBA Color Health
Classification: Uncertain significance for Hereditary cancer-predisposing syndrome. Last evaluated: 2025-03-25. Review status: criteria provided, single submitter. Criteria: ACMG Guidelines, 2015. Collection method: clinical testing. Allele origin: germline.
Comment: This missense variant replaces arginine with histidine at codon 1263 of the MSH6 protein. Computational prediction is inconclusive regarding the impact of this variant on protein structure and function. To our knowledge, functional studies have not been reported for this variant. This variant has been reported in an individuals affected with breast cancer (PMID: 25186627, 33471991), but has also been observed in unaffected individuals (PMID: 4728327, 32885271, 32980694, 33471991). This variant has been identified in 47/282612 chromosomes in the general population by the Genome Aggregation Database (gnomAD). The available evidence is insufficient to determine the role of this variant in disease conclusively. Therefore, this variant is classified as a Variant of Uncertain Significance.

Center for Genomic Medicine, Rigshospitalet, Copenhagen University Hospital
Classification: Uncertain significance. Last evaluated: 2025-03-04. Review status: criteria provided, single submitter. Criteria: ACMG Guidelines, 2015. Collection method: clinical testing. Allele origin: germline.

Mendelics
Classification: Likely benign for Hereditary cancer. Last evaluated: 2025-02-26. Review status: criteria provided, single submitter. Criteria: ACMG Guidelines, 2015. Collection method: clinical testing. Allele origin: unknown.
Comment: This variant is considered likely benign or benign based on one or more of the following: it is predicted to be benign by multiple in silico algorithms, and/or has population frequency not consistent with disease, and/or has normal protein function, and/or has lack of segregation with disease, and/or has been detected in co-occurrence with known pathogenic variant, and/or has lack of disease association in case-control studies, and/or is located in a region inconsistent with a known cause of pathogenicity.

Myriad Genetics, Inc.
Classification: Benign for Lynch syndrome 5. Last evaluated: 2025-01-08. Review status: criteria provided, single submitter. Criteria: Myriad Autosomal Dominant, Autosomal Recessive and X-Linked Classification Criteria (2023). Collection method: clinical testing. Allele origin: unknown.
Comment: This variant is considered benign. This variant has been observed in conjunction with multiple pathogenic variants, reducing the likelihood this variant itself is pathogenic. This variant is strongly associated with less severe personal and family histories of cancer, typical for individuals without pathogenic variants in this gene [PMID: 27363726].

ARUP Laboratories, Molecular Genetics and Genomics, ARUP Laboratories
Classification: Likely benign. Last evaluated: 2024-12-18. Review status: criteria provided, single submitter. Criteria: ARUP Molecular Germline Variant Investigation Process 2024. Collection method: clinical testing. Allele origin: germline.

Catlab - Consorci Sanitari de Terrassa
Classification: Likely benign for Hereditary cancer-predisposing syndrome. Last evaluated: 2024-11-13. Review status: criteria provided, single submitter. Criteria: ClinGen CRC ACMG Specifications MSH6 V1.0.0. Collection method: clinical testing. Allele origin: germline.
Comment: Based on currently available information, this variant should be considered as Likely Benign according to ClinGen-MSH6 v1.0.0 guidelines. BS1, BP4.

Blueprint Genetics
Classification: Uncertain significance. Last evaluated: 2024-07-10. Review status: criteria provided, single submitter. Criteria: ACMG Guidelines, 2015. Collection method: clinical testing. Allele origin: germline.

NM_000179.3(MSH6):c.3788G>A (p.Arg1263His)

Gene: MSH6 (mutS homolog 6; plus strand). Cytogenetic location: 2p16.3.
Variant type: single nucleotide variant.
Coding change: c.3788G>A on transcript NM_000179.3 (MANE Select); coding-DNA position 3788, G replaced by A.
Protein change: p.Arg1263His; replaces arginine 1263 with histidine.
Molecular consequence: missense variant.
Genome position (GRCh38, 1-based): chr2:47,806,345, G>A. VCF-style: chr2-47806345-G-A. GRCh37 (hg19) VCF-style: chr2-48033484-G-A.
Other names: p.R1263H:CGC>CAC; c.3398G>A, p.Arg1133His (NM_001281492.2); c.2882G>A, p.Arg961His (NM_001281493.2, NM_001281494.2); short protein forms R1263H, R1133H, R961H.
Identifiers: ClinVar variation 127593 (VCV000127593.60), dbSNP rs147852216, ClinGen allele CA014284.